The following is an entry in ClinVar:

NM_000051.4(ATM):c.4840C>T (p.Leu1614=)

Gene: ATM (ATM serine/threonine kinase; plus strand). Cytogenetic location: 11q22.3.
Variant type: single nucleotide variant.
Coding change: c.4840C>T on transcript NM_000051.4 (MANE Select); coding-DNA position 4840, C replaced by T.
Protein change: p.Leu1614=; no amino-acid change (leucine 1614 retained).
Molecular consequence: synonymous variant.
Genome position (GRCh38, 1-based): chr11:108,294,990, C>T. VCF-style: chr11-108294990-C-T. GRCh37 (hg19) VCF-style: chr11-108165717-C-T.
Other names: c.4840C>T, p.Leu1614= (NM_001351834.2).
Identifiers: ClinVar variation 453540 (VCV000453540.19), dbSNP rs777239020, ClinGen allele CA6265564.

ClinVar aggregate classification (germline): Benign/Likely benign. Review status: criteria provided, multiple submitters, no conflicts (2 of 4 stars). 5 submissions from 5 submitters: Benign (1); Likely benign (4). Last evaluated 2025-10-29.

Conditions:
Hereditary cancer-predisposing syndrome. Also called: Tumor predisposition; Hereditary Cancer Syndrome; Neoplastic Syndromes, Hereditary; Hereditary neoplastic syndrome. Identifiers: Orphanet 140162, MedGen C0027672, MeSH D009386, MONDO:0015356.
Ataxia-telangiectasia syndrome (AT). Also called: Cerebello-oculocutaneous telangiectasia; Immunodeficiency with ataxia telangiectasia; Ataxia-telangiectasia, complementation group D; AT, COMPLEMENTATION GROUP C; Ataxia-telangiectasia, complementation group E; LOUIS-BAR SYNDROME. Identifiers: Orphanet 100, MedGen C0004135, MONDO:0008840, OMIM 208900.
Familial cancer of breast. Also called: Hereditary breast cancer; hereditary breast carcinoma; BREAST CANCER, FAMILIAL. Identifiers: Orphanet 227535, MedGen C0346153, MONDO:0016419, OMIM 114480. Disease mechanism: loss of function.

Allele frequency attached by ClinVar (database versions not stated): gnomAD exomes below 0.00001 and 0.00002; ExAC 0.00001.
gnomAD v4.1: 11 of 1,613,814 alleles (0.00068%); no homozygotes.

Submissions (5):

Labcorp Genetics (formerly Invitae), Labcorp
Classification: Likely benign for Ataxia-telangiectasia syndrome. Last evaluated: 2025-10-29. Review status: criteria provided, single submitter. Criteria: Invitae Variant Classification Sherloc (09022015). Collection method: clinical testing. Allele origin: germline.

Myriad Genetics, Inc.
Classification: Benign for Familial cancer of breast. Last evaluated: 2024-05-21. Review status: criteria provided, single submitter. Criteria: Myriad Autosomal Dominant, Autosomal Recessive and X-Linked Classification Criteria (2023). Collection method: clinical testing. Allele origin: unknown.
Comment: This variant is considered benign. This variant is a silent/synonymous amino acid change and it is not expected to impact splicing.

Ambry Genetics
Classification: Likely benign for Hereditary cancer-predisposing syndrome. Last evaluated: 2017-08-16. Review status: criteria provided, single submitter. Criteria: Ambry Variant Classification Scheme 2023. Collection method: clinical testing. Allele origin: germline.

Color Diagnostics, LLC DBA Color Health
Classification: Likely benign for Hereditary cancer-predisposing syndrome. Last evaluated: 2017-03-16. Review status: criteria provided, single submitter. Criteria: ACMG Guidelines, 2015. Collection method: clinical testing. Allele origin: germline.

GeneDx
Classification: Likely benign. Last evaluated: 2017-03-16. Review status: criteria provided, single submitter. Criteria: GeneDx Variant Classification (06012015). Collection method: clinical testing. Allele origin: germline. Affected: yes.
Comment: This variant is considered likely benign or benign based on one or more of the following criteria: it is a conservative change, it occurs at a poorly conserved position in the protein, it is predicted to be benign by multiple in silico algorithms, and/or has population frequency not consistent with disease.